The following is an entry in ClinVar:

NM_001267550.2(TTN):c.84436G>A (p.Val28146Ile)

Genes: TTN (titin; minus strand), TTN-AS1 (TTN antisense RNA 1; plus strand). Cytogenetic location: 2q31.2.
Variant type: single nucleotide variant.
Coding change: c.84436G>A on transcript NM_001267550.2 (MANE Select); coding-DNA position 84436, G replaced by A.
Protein change: p.Val28146Ile; replaces valine 28146 with isoleucine.
Molecular consequence: missense variant.
Genome position (GRCh38, 1-based): chr2:178,561,696, C>T on the plus strand (G>A on the coding strand, the complement: TTN is on the minus strand). VCF-style: chr2-178561696-C-T. GRCh37 (hg19) VCF-style: chr2-179426423-C-T.
Other names: c.79513G>A, p.Val26505Ile (NM_001256850.1); c.57241G>A, p.Val19081Ile (NM_003319.4); c.76732G>A, p.Val25578Ile (NM_133378.4); c.57616G>A, p.Val19206Ile (NM_133432.3); c.57817G>A, p.Val19273Ile (NM_133437.4); short protein forms V19081I, V28146I, V19273I, V19206I, V25578I, V26505I.
Identifiers: ClinVar variation 518895 (VCV000518895.15), dbSNP rs371366196, ClinGen allele CA1988777.

ClinVar aggregate classification (germline): Uncertain significance. Review status: criteria provided, multiple submitters, no conflicts (2 of 4 stars). 4 submissions from 4 submitters: Uncertain significance (4). Last evaluated 2026-02-09.

Conditions:
TTN-related disorder. Also called: TTN-related condition; TTN-related disease; TTN-related disorders.
Cardiovascular phenotype. Identifiers: MedGen CN230736.
Cardiomyopathy (CMYO). Also called: Cardiomyopathies. Identifiers: Orphanet 167848, MedGen C0878544, MONDO:0004994, HP:0001638. Inheritance: Various modes of inheritance.

Allele frequency attached by ClinVar (database versions not stated): ExAC 0.00003; gnomAD exomes 0.00004 and 0.00007; gnomAD 0.00005 and 0.00006; TOPMed 0.00005; ESP Exome Variant Server 0.00017.
gnomAD v4.1: 113 of 1,607,810 alleles (0.007%); highest among the groups gnomAD compares: Middle Eastern, 0.017%; no homozygotes.

Submissions (4):

PreventionGenetics, part of Exact Sciences
Classification: Uncertain significance for TTN-related condition. Last evaluated: 2026-02-09. Review status: criteria provided, single submitter. Criteria: ACMG Guidelines, 2015. Collection method: clinical testing. Allele origin: germline.
Comment: The TTN c.84436G>A variant is predicted to result in the amino acid substitution p.Val28146Ile. To our knowledge, this variant has not been reported in the literature. This variant is reported in 0.0087% of alleles in individuals of European (Non-Finnish) descent in gnomAD. At this time, the clinical significance of this variant is uncertain due to the absence of conclusive functional and genetic evidence.

ARUP Laboratories, Molecular Genetics and Genomics, ARUP Laboratories
Classification: Uncertain significance. Last evaluated: 2019-06-11. Review status: criteria provided, single submitter. Criteria: ARUP Molecular Germline Variant Investigation Process. Collection method: clinical testing. Allele origin: germline.
Comment: The TTN c.84436G>A; p.Val28146Ile variant (rs371366196; ClinVar Variation ID: 518895) is rare in the general population (<1% allele frequency in the Genome Aggregation Database) and has not been reported in the medical literature in association with dilated cardiomyopathy (DCM) or other TTN-related disease. The clinical relevance of rare missense variants in this gene, which are identified on average once per individual sequenced in affected populations (Herman 2012), is not well understood. Yet, evidence suggests that the vast majority of such missense variants do not contribute to the clinical outcome of DCM (Begay 2015). Thus, the clinical significance of the p.Val28146Ile variant cannot be determined with certainty. References: Begay RL et al. Role of Titin Missense Variants in Dilated Cardiomyopathy. J Am Heart Assoc. 2015 Nov 13;4(11). Herman DS et al. Truncations of titin causing dilated cardiomyopathy. N Engl J Med. 2012 Feb 16;366(7):619-28.

CHEO Genetics Diagnostic Laboratory, Children's Hospital of Eastern Ontario
Classification: Uncertain significance for Cardiomyopathy. Last evaluated: 2018-03-05. Review status: criteria provided, single submitter. Criteria: ACMG Guidelines, 2015. Collection method: clinical testing. Allele origin: germline.

Ambry Genetics
Classification: Uncertain significance for Cardiovascular phenotype. Last evaluated: 2016-01-25. Review status: criteria provided, single submitter. Criteria: Ambry Variant Classification Scheme 2023. Collection method: clinical testing. Allele origin: germline.
Comment: The p.V19081I variant (also known as c.57241G>A), located in coding exon 153 of the TTN gene, results from a G to A substitution at nucleotide position 57241. The valine at codon 19081 is replaced by isoleucine, an amino acid with highly similar properties. This variant was previously reported in the SNPDatabase as rs371366196. Based on data from the NHLBI Exome Sequencing Project (ESP), the A allele has an overall frequency of approximately 0.02% (2/12038) total alleles studied and 0.02% (2/8240) European American alleles. This amino acid position is not well conserved in available vertebrate species, and isoleucine is the reference amino acid in other vertebrate species. In addition, this alteration is predicted to be tolerated by in silico analysis. Since supporting evidence is limited at this time, the clinical significance of this alteration remains unclear.